The following is an entry in ClinVar:

ClinVar aggregate classification (germline): Uncertain significance (1 of 4 stars; one submission).

Allele frequency attached by ClinVar (database versions not stated): gnomAD exomes 0.00001.
gnomAD v4.1: 5 of 1,551,698 alleles (0.00032%); highest among the groups gnomAD compares: Admixed American, 0.0098%; no homozygotes.

Submission:

Labcorp Genetics (formerly Invitae), Labcorp
Classification: Uncertain significance. Last evaluated: 2023-12-02. Review status: criteria provided, single submitter. Criteria: Invitae Variant Classification Sherloc (09022015). Collection method: clinical testing. Allele origin: germline.
Comment: This sequence change replaces proline, which is neutral and non-polar, with alanine, which is neutral and non-polar, at codon 418 of the ANK1 protein (p.Pro418Ala). This variant is present in population databases (no rsID available, gnomAD 0.02%). This variant has not been reported in the literature in individuals affected with ANK1-related conditions. An algorithm developed to predict the effect of missense changes on protein structure and function (PolyPhen-2) suggests that this variant is likely to be tolerated. In summary, the available evidence is currently insufficient to determine the role of this variant in disease. Therefore, it has been classified as a Variant of Uncertain Significance.

NM_000037.4(ANK1):c.1252C>G (p.Pro418Ala)

Gene: ANK1 (ankyrin 1; minus strand). Cytogenetic location: 8p11.21.
Variant type: single nucleotide variant.
Coding change: c.1252C>G on transcript NM_000037.4 (MANE Select); coding-DNA position 1252, C replaced by G.
Protein change: p.Pro418Ala; replaces proline 418 with alanine.
Molecular consequence: missense variant.
Genome position (GRCh38, 1-based): chr8:41,717,657, G>C on the plus strand (C>G on the coding strand, the complement: ANK1 is on the minus strand). VCF-style: chr8-41717657-G-C. GRCh37 (hg19) VCF-style: chr8-41575175-G-C.
Other names: c.1351C>G, p.Pro451Ala (NM_001142446.2); c.1252C>G, p.Pro418Ala (NM_020475.3, NM_020476.3, NM_020477.3); short protein forms P418A, P451A.
Identifiers: ClinVar variation 2715753 (VCV002715753.3), dbSNP rs1435221971, ClinGen allele CA371039838.